The following is an entry in ClinVar:

ClinVar aggregate classification (germline): Likely pathogenic (1 of 4 stars; one submission).

Conditions:
Megacystis-microcolon-intestinal hypoperistalsis syndrome 2. Identifiers: MedGen C5543476, MONDO:0025708, OMIM 619351.

Submission:

Dasa
Classification: Likely pathogenic for Megacystis-microcolon-intestinal hypoperistalsis syndrome 2. Last evaluated: 2025-11-26. Review status: criteria provided, single submitter. Criteria: DASA Assertion Criteria. Collection method: clinical testing. Allele origin: germline.
Comment: NM_002474.3(MYH11):c.1130-1G>C affects a canonical splice site and is predicted to disrupt normal RNA splicing. Loss of function is an established disease mechanism for MYH11-associated disorders. Also, this variant is absent from population databases. Based on the currently available evidence, this variant is classified as likely pathogenic.

NM_002474.3(MYH11):c.1130-1G>C

Gene: MYH11 (myosin heavy chain 11; minus strand). Cytogenetic location: 16p13.11.
Variant type: single nucleotide variant.
Coding change: c.1130-1G>C on transcript NM_002474.3 (MANE Select); the canonical splice acceptor site of the intron before coding-DNA position 1130, G replaced by C.
Molecular consequence: splice acceptor variant.
Genome position (GRCh38, 1-based): chr16:15,760,659, C>G on the plus strand (G>C on the coding strand, the complement: MYH11 is on the minus strand). VCF-style: chr16-15760659-C-G. GRCh37 (hg19) VCF-style: chr16-15854516-C-G.
Other names: c.1130-1G>C (NM_022844.3); c.1151-1G>C (NM_001040114.2, NM_001040113.2).
Identifiers: ClinVar variation 4883192 (VCV004883192.2).